The following is an entry in ClinVar:

NM_001148.6(ANK2):c.11446A>G (p.Thr3816Ala)

Gene: ANK2 (ankyrin 2; plus strand). Cytogenetic location: 4q26.
Variant type: single nucleotide variant.
Coding change: c.11446A>G on transcript NM_001148.6 (MANE Select); coding-DNA position 11446, A replaced by G.
Protein change: p.Thr3816Ala; replaces threonine 3816 with alanine.
Molecular consequence: missense variant.
Genome position (GRCh38, 1-based): chr4:113,369,641, A>G. VCF-style: chr4-113369641-A-G. GRCh37 (hg19) VCF-style: chr4-114290797-A-G.
Other names: c.5164A>G, p.Thr1722Ala (NM_001127493.3); c.5203A>G, p.Thr1735Ala (NM_001354225.2); c.5092A>G, p.Thr1698Ala (NM_001354228.2, NM_001354258.2); c.5170A>G, p.Thr1724Ala (NM_001354230.2); c.5233A>G, p.Thr1745Ala (NM_001354231.2, NM_001354242.2); c.5227A>G, p.Thr1743Ala (NM_001354232.2); c.5188A>G, p.Thr1730Ala (NM_001354235.2, NM_001354246.2, NM_001354265.2); c.5089A>G, p.Thr1697Ala (NM_001354236.2); and 35 more; short protein forms T1570A, T1603A, T1644A, T1653A, T1673A, T1677A, T1709A, T1710A.
Identifiers: ClinVar variation 1525082 (VCV001525082.8), dbSNP rs1209317369, ClinGen allele CA357942738.

ClinVar aggregate classification (germline): Uncertain significance (1 of 4 stars; one submission).

Conditions:
Long QT syndrome (LQTS). Identifiers: MedGen C0023976, MeSH D008133, MONDO:0002442. Disease mechanism: loss of function. Inheritance: Various modes of inheritance.

Allele frequency attached by ClinVar (database versions not stated): TOPMed below 0.00001; gnomAD 0.00001.
gnomAD v4.1: 1 of 1,613,956 alleles (0.000062%); highest among the groups gnomAD compares: East Asian, 0.0022%; no homozygotes.

Submission:

Labcorp Genetics (formerly Invitae), Labcorp
Classification: Uncertain significance for Long QT syndrome. Last evaluated: 2020-11-05. Review status: criteria provided, single submitter. Criteria: Invitae Variant Classification Sherloc (09022015). Collection method: clinical testing. Allele origin: germline.
Comment: In summary, the available evidence is currently insufficient to determine the role of this variant in disease. Therefore, it has been classified as a Variant of Uncertain Significance. Algorithms developed to predict the effect of missense changes on protein structure and function output the following: SIFT: "Tolerated"; PolyPhen-2: "Benign"; Align-GVGD: "Class C0". The alanine amino acid residue is found in multiple mammalian species, suggesting that this missense change does not adversely affect protein function. These predictions have not been confirmed by published functional studies and their clinical significance is uncertain. This variant has not been reported in the literature in individuals with ANK2-related conditions. This variant is not present in population databases (ExAC no frequency). This sequence change replaces threonine with alanine at codon 3816 of the ANK2 protein (p.Thr3816Ala). The threonine residue is weakly conserved and there is a small physicochemical difference between threonine and alanine.